The following is an entry in ClinVar:

ClinVar aggregate classification (germline): Uncertain significance (1 of 4 stars; one submission).

Conditions:
Inborn genetic diseases. Identifiers: MedGen C0950123, MeSH D030342.

Allele frequency attached by ClinVar (database versions not stated): gnomAD exomes below 0.00001; TOPMed below 0.00001; gnomAD 0.00001.
gnomAD v4.1: 3 of 1,612,066 alleles (0.00019%); highest among the groups gnomAD compares: African/African-American, 0.004%; no homozygotes.

Submission:

Ambry Genetics
Classification: Uncertain significance for Inborn genetic diseases. Last evaluated: 2022-12-18. Review status: criteria provided, single submitter. Criteria: Ambry Variant Classification Scheme 2023. Collection method: clinical testing. Allele origin: germline.
Comment: The p.S455F variant (also known as c.1364C>T), located in coding exon 12 of the LRRK2 gene, results from a C to T substitution at nucleotide position 1364. The serine at codon 455 is replaced by phenylalanine, an amino acid with highly dissimilar properties. This amino acid position is conserved. In addition, this alteration is predicted to be tolerated by in silico analysis. Since supporting evidence is limited at this time, the clinical significance of this alteration remains unclear.

NM_198578.4(LRRK2):c.1364C>T (p.Ser455Phe)

Gene: LRRK2 (leucine rich repeat kinase 2; plus strand). Cytogenetic location: 12q12.
Variant type: single nucleotide variant.
Coding change: c.1364C>T on transcript NM_198578.4 (MANE Select); coding-DNA position 1364, C replaced by T.
Protein change: p.Ser455Phe; replaces serine 455 with phenylalanine.
Molecular consequence: missense variant.
Genome position (GRCh38, 1-based): chr12:40,257,323, C>T. VCF-style: chr12-40257323-C-T. GRCh37 (hg19) VCF-style: chr12-40651125-C-T.
Other names: short protein forms S455F.
Identifiers: ClinVar variation 2447283 (VCV002447283.2), dbSNP rs1478114846, ClinGen allele CA384410675.